The following is an entry in ClinVar:

ClinVar aggregate classification (germline): Uncertain significance (1 of 4 stars; one submission).

Conditions:
Combined immunodeficiency due to DOCK8 deficiency (HIES2). Also called: Hyper-IgE recurrent infection syndrome, autosomal recessive; HIES autosomal recessive; DOCK8 Deficiency; HYPER-IgE RECURRENT INFECTION SYNDROME 2, AUTOSOMAL RECESSIVE; HYPER-IgE SYNDROME 2, AUTOSOMAL RECESSIVE, WITH RECURRENT INFECTIONS. Identifiers: Orphanet 217390, MedGen C4722305, MONDO:0009478, OMIM 243700.

gnomAD v4.1: 2 of 1,597,784 alleles (0.00013%); highest among the groups gnomAD compares: African/African-American, 0.0014%; no homozygotes.

Submission:

Labcorp Genetics (formerly Invitae), Labcorp
Classification: Uncertain significance for Combined immunodeficiency due to DOCK8 deficiency. Last evaluated: 2022-03-19. Review status: criteria provided, single submitter. Criteria: Invitae Variant Classification Sherloc (09022015). Collection method: clinical testing. Allele origin: germline.
Comment: In summary, the available evidence is currently insufficient to determine the role of this variant in disease. Therefore, it has been classified as a Variant of Uncertain Significance. Algorithms developed to predict the effect of missense changes on protein structure and function are either unavailable or do not agree on the potential impact of this missense change (SIFT: "Deleterious"; PolyPhen-2: "Benign"; Align-GVGD: "Class C0"). ClinVar contains an entry for this variant (Variation ID: 1036001). This variant has not been reported in the literature in individuals affected with DOCK8-related conditions. The frequency data for this variant in the population databases is considered unreliable, as metrics indicate poor data quality at this position in the gnomAD database. This sequence change replaces serine, which is neutral and polar, with isoleucine, which is neutral and non-polar, at codon 6 of the DOCK8 protein (p.Ser6Ile).

NM_203447.4(DOCK8):c.17G>T (p.Ser6Ile)

Genes: DOCK8-AS1 (DOCK8 antisense RNA 1; minus strand), DOCK8 (dedicator of cytokinesis 8; plus strand), LOC130001437 (ATAC-STARR-seq lymphoblastoid silent region 19722; plus strand). Cytogenetic location: 9p24.3.
Variant type: single nucleotide variant.
Coding change: c.17G>T on transcript NM_203447.4 (MANE Select); coding-DNA position 17, G replaced by T.
Protein change: p.Ser6Ile; replaces serine 6 with isoleucine.
Molecular consequence: missense variant. On other transcripts: non-coding transcript variant (1).
Genome position (GRCh38, 1-based): chr9:214,993, G>T. VCF-style: chr9-214993-G-T. GRCh37 (hg19) VCF-style: chr9-214993-G-T.
Other names: short protein forms S6I.
Identifiers: ClinVar variation 1036001 (VCV001036001.9), dbSNP rs756971694, ClinGen allele CA372755560.